The following is an entry in ClinVar:

NM_022787.4(NMNAT1):c.-57+19G>T

Genes: NMNAT1 (nicotinamide nucleotide adenylyltransferase 1; plus strand), LOC126805613 (BRD4-independent group 4 enhancer GRCh37_chr1:10002582-10003781; plus strand). Cytogenetic location: 1p36.22.
Variant type: single nucleotide variant.
Coding change: c.-57+19G>T on transcript NM_022787.4 (MANE Select); 19 bases into the intron after 57 bases upstream of the start codon, G replaced by T.
Molecular consequence: intron variant.
Genome position (GRCh38, 1-based): chr1:9,943,534, G>T. VCF-style: chr1-9943534-G-T. GRCh37 (hg19) VCF-style: chr1-10003592-G-T.
Other names: c.-57+509G>T (NM_001297778.1); c.-57+19G>T (NM_001297779.2).
Identifiers: ClinVar variation 3352472 (VCV003352472.2).

ClinVar aggregate classification (germline): Likely benign. Review status: criteria provided, single submitter (1 of 4 stars). 2 submissions from 2 submitters: Likely benign (1). 1 of the submissions does not count toward it. Last evaluated 2024-11-25.

Conditions:
NMNAT1-related disorder. Also called: NMNAT1-related condition.

Submissions (2):

Blueprint Genetics
Classification: Likely benign. Last evaluated: 2024-11-25. Review status: criteria provided, single submitter. Criteria: ACMG Guidelines, 2015. Collection method: clinical testing. Allele origin: germline.

PreventionGenetics, part of Exact Sciences
Classification: Likely benign for NMNAT1-related condition. Last evaluated: 2024-09-16. Review status: no assertion criteria provided. Collection method: clinical testing. Allele origin: germline. Not counted in ClinVar's aggregate classification.
Comment: This variant is classified as likely benign based on ACMG/AMP sequence variant interpretation guidelines (Richards et al. 2015 PMID: 25741868, with internal and published modifications).